The following is an entry in ClinVar:

NM_000038.6(APC):c.604G>T (p.Glu202Ter)

Gene: APC (APC regulator of Wnt signaling pathway; plus strand). Cytogenetic location: 5q22.2.
Variant type: single nucleotide variant.
Coding change: c.604G>T on transcript NM_000038.6 (MANE Select); coding-DNA position 604, G replaced by T.
Protein change: p.Glu202Ter; replaces glutamic acid 202 with a stop codon.
Molecular consequence: nonsense. On other transcripts: 5 prime UTR variant (4), non-coding transcript variant (2).
Genome position (GRCh38, 1-based): chr5:112,780,862, G>T. VCF-style: chr5-112780862-G-T. GRCh37 (hg19) VCF-style: chr5-112116559-G-T.
Other names: c.634G>T, p.Glu212Ter (NM_001354897.2, NM_001354902.2, NM_001407446.1 and 1 more transcripts); c.529G>T, p.Glu177Ter (NM_001354898.2, NM_001354904.2, NM_001407451.1); c.604G>T, p.Glu202Ter (NM_001354899.2, NM_001354903.2, NM_001407447.1 and 16 more transcripts); c.427G>T, p.Glu143Ter (NM_001354900.2, NM_001354901.2, NM_001354905.2 and 1 more transcripts); c.-432G>T (NM_001354906.2, NM_001407470.1, NM_001407471.1 and 1 more transcripts); short protein forms E143*, E177*, E202*, E212*.
Identifiers: ClinVar variation 4860861 (VCV004860861.1).

ClinVar aggregate classification (germline): Pathogenic (1 of 4 stars; one submission).

Conditions:
Hereditary cancer-predisposing syndrome. Also called: Neoplastic Syndromes, Hereditary; Tumor predisposition; Hereditary Cancer Syndrome; Hereditary neoplastic syndrome. Identifiers: Orphanet 140162, MedGen C0027672, MeSH D009386, MONDO:0015356.

Submission:

Ambry Genetics
Classification: Pathogenic for Hereditary cancer-predisposing syndrome. Last evaluated: 2026-04-28. Review status: criteria provided, single submitter. Criteria: Ambry Variant Classification Scheme 2023. Collection method: clinical testing. Allele origin: germline.
Comment: The p.E202* pathogenic mutation (also known as c.604G>T), located in coding exon 5 of the APC gene, results from a G to T substitution at nucleotide position 604. This changes the amino acid from a glutamic acid to a stop codon within coding exon 5. This variant was reported in individual(s) with features consistent with APC-related familial adenomatous polyposis (Ambry internal data). This variant is considered to be rare based on population cohorts in the Genome Aggregation Database (gnomAD). This alteration is expected to result in loss of function by premature protein truncation or nonsense-mediated mRNA decay. As such, this alteration is interpreted as a disease-causing mutation.